The following is an entry in ClinVar:

NM_001145252.3(CFP):c.349C>A (p.Pro117Thr)

Gene: CFP (complement factor properdin; minus strand). Cytogenetic location: Xp11.23.
Variant type: single nucleotide variant.
Coding change: c.349C>A on transcript NM_001145252.3 (MANE Select); coding-DNA position 349, C replaced by A.
Protein change: p.Pro117Thr; replaces proline 117 with threonine.
Molecular consequence: missense variant.
Genome position (GRCh38, 1-based): chrX:47,628,156, G>T on the plus strand (C>A on the coding strand, the complement: CFP is on the minus strand). VCF-style: chrX-47628156-G-T. GRCh37 (hg19) VCF-style: chrX-47487555-G-T.
Other names: c.349C>A, p.Pro117Thr (NM_002621.2); short protein forms P117T.
Identifiers: ClinVar variation 1721181 (VCV001721181.5), dbSNP rs779638780, ClinGen allele CA412839018.

ClinVar aggregate classification (germline): Uncertain significance (1 of 4 stars; one submission).

gnomAD v4.1: 1 of 1,211,721 alleles (0.000083%); highest among the groups gnomAD compares: Admixed American, 0.0022%; no homozygotes.

Submission:

Labcorp Genetics (formerly Invitae), Labcorp
Classification: Uncertain significance. Last evaluated: 2022-10-07. Review status: criteria provided, single submitter. Criteria: Invitae Variant Classification Sherloc (09022015). Collection method: clinical testing. Allele origin: germline.
Comment: In summary, the available evidence is currently insufficient to determine the role of this variant in disease. Therefore, it has been classified as a Variant of Uncertain Significance. Advanced modeling of protein sequence and biophysical properties (such as structural, functional, and spatial information, amino acid conservation, physicochemical variation, residue mobility, and thermodynamic stability) performed at Invitae indicates that this missense variant is not expected to disrupt CFP protein function. This variant has not been reported in the literature in individuals affected with CFP-related conditions. This variant is present in population databases (no rsID available, gnomAD 0.004%). This sequence change replaces proline, which is neutral and non-polar, with threonine, which is neutral and polar, at codon 117 of the CFP protein (p.Pro117Thr).